The following is an entry in ClinVar:

ClinVar aggregate classification (germline): Uncertain significance (1 of 4 stars; one submission).

Submission:

GeneDx
Classification: Uncertain significance. Last evaluated: 2025-06-08. Review status: criteria provided, single submitter. Criteria: GeneDx Variant Classification Process June 2021. Collection method: clinical testing. Allele origin: germline. Affected: yes.
Comment: Not observed at significant frequency in large population cohorts (gnomAD); In silico analysis supports that this missense variant has a deleterious effect on protein structure/function; Has not been previously published as pathogenic or benign to our knowledge

NM_181552.4(CUX1):c.3457A>T (p.Ile1153Phe)

Gene: CUX1 (cut like homeobox 1; plus strand). Cytogenetic location: 7q22.1.
Variant type: single nucleotide variant.
Coding change: c.3457A>T on transcript NM_181552.4 (MANE Select); coding-DNA position 3457, A replaced by T.
Protein change: p.Ile1153Phe; replaces isoleucine 1153 with phenylalanine.
Molecular consequence: missense variant. On other transcripts: intron variant (5).
Genome position (GRCh38, 1-based): chr7:102,234,075, A>T. VCF-style: chr7-102234075-A-T. GRCh37 (hg19) VCF-style: chr7-101877355-A-T.
Other names: c.3490A>T, p.Ile1164Phe (NM_001202543.2); c.1255+38472A>T (NM_001913.5); c.1249+38472A>T (NM_181500.4); c.1117+38472A>T (NM_001202545.3); c.1207+38472A>T (NM_001202544.3); c.1138+38472A>T (NM_001202546.3); short protein forms I1153F, I1164F.
Identifiers: ClinVar variation 4536575 (VCV004536575.1).
Genomic context (GRCh38, chr7:102,234,075, plus strand): 5'-GGTGACAATACCTGTCTTGCTTCTGTTTTCTCTCTAGGCCAGCGCTTATTTGGGGAGACC[A>T]TCTTAGGGCTCACCCAAGGCTCTGTCTCTGACCTCCTTGCCCGCCCCAAACCCTGGCATA-3'
Protein context (NP_853530.2, residues 1143-1163): NLGQRLFGET[Ile1153Phe]LGLTQGSVSD